The following is an entry in ClinVar:

ClinVar aggregate classification (germline): Benign. Review status: criteria provided, multiple submitters, no conflicts (2 of 4 stars). 4 submissions from 4 submitters: Benign (4). Last evaluated 2026-01-28.

Conditions:
Gelatinous droplike corneal dystrophy (GDLD). Also called: AMYLOID CORNEAL DYSTROPHY, JAPANESE TYPE. Identifiers: Orphanet 98957, MedGen C0339273, MONDO:0008777, OMIM 204870.

Allele frequency attached by ClinVar (database versions not stated): gnomAD exomes 0.08683 and 0.09405; ExAC 0.09721; 1000 Genomes Project 0.10403; 1000 Genomes Project 30x 0.11009; gnomAD 0.11794 and 0.12227; TOPMed 0.12144; ESP Exome Variant Server 0.12250.

Submissions (4):

Labcorp Genetics (formerly Invitae), Labcorp
Classification: Benign. Last evaluated: 2026-01-28. Review status: criteria provided, single submitter. Criteria: Invitae Variant Classification Sherloc (09022015). Collection method: clinical testing. Allele origin: germline.

Genome-Nilou Lab
Classification: Benign for Gelatinous droplike corneal dystrophy. Last evaluated: 2023-04-11. Review status: criteria provided, single submitter. Criteria: ACMG Guidelines, 2015. Collection method: clinical testing. Allele origin: germline. Affected: no.

Illumina Laboratory Services, Illumina
Classification: Benign for Gelatinous droplike corneal dystrophy. Last evaluated: 2018-01-12. Review status: criteria provided, single submitter. Criteria: ICSL Variant Classification Criteria 13 December 2019. Collection method: clinical testing. Allele origin: germline.
Comment: This variant was observed in the ICSL laboratory as part of a predisposition screen in an ostensibly healthy population. It had not been previously curated by ICSL or reported in the Human Gene Mutation Database (HGMD: prior to June 1st, 2018), and was therefore a candidate for classification through an automated scoring system. Utilizing variant allele frequency, disease prevalence and penetrance estimates, and inheritance mode, an automated score was calculated to assess if this variant is too frequent to cause the disease. Based on the score and internal cut-off values, a variant classified as benign is not then subjected to further curation. The score for this variant resulted in a classification of benign for this disease.

Breakthrough Genomics
Classification: Benign. Review status: criteria provided, single submitter. Criteria: ACMG Guidelines, 2015. Collection method: not provided. Allele origin: germline. Inheritance: Autosomal recessive inheritance. Affected: yes.

NM_002353.3(TACSTD2):c.518A>C (p.Asp173Ala)

Gene: TACSTD2 (tumor associated calcium signal transducer 2; minus strand). Cytogenetic location: 1p32.1.
Variant type: single nucleotide variant.
Coding change: c.518A>C on transcript NM_002353.3 (MANE Select); coding-DNA position 518, A replaced by C.
Protein change: p.Asp173Ala; replaces aspartic acid 173 with alanine.
Molecular consequence: missense variant.
Genome position (GRCh38, 1-based): chr1:58,576,639, T>G on the plus strand (A>C on the coding strand, the complement: TACSTD2 is on the minus strand). VCF-style: chr1-58576639-T-G. GRCh37 (hg19) VCF-style: chr1-59042311-T-G.
Other names: short protein forms D173A.
Identifiers: ClinVar variation 297769 (VCV000297769.11), dbSNP rs35075952, ClinGen allele CA877410.
Genomic context (GRCh38, chr1:58,576,639, plus strand): 5'-GCCGCCACGAACTTGGGGTGCAGCCGATAGCGCTCGCGGAAGAGCCGCCTCAGCTCGGCG[T>G]CCAGGTCTGAGTGGTTGAAGGCGCCGGCGGTGGGGCGGTGGCGCAGGTCAATGAGGATGT-3'
Protein context (NP_002344.2, residues 163-183): TAGAFNHSDL[Asp173Ala]AELRRLFRER